The following is an entry in ClinVar:

ClinVar aggregate classification (germline): Uncertain significance (1 of 4 stars; one submission).

Allele frequency attached by ClinVar (database versions not stated): TOPMed 0.00001.
gnomAD v4.1: 11 of 1,539,098 alleles (0.00071%); highest among the groups gnomAD compares: South Asian, 0.0012%; no homozygotes.

Submission:

Labcorp Genetics (formerly Invitae), Labcorp
Classification: Uncertain significance. Last evaluated: 2022-08-30. Review status: criteria provided, single submitter. Criteria: Invitae Variant Classification Sherloc (09022015). Collection method: clinical testing. Allele origin: germline.
Comment: The frequency data for this variant in the population databases is considered unreliable, as metrics indicate poor data quality at this position in the gnomAD database. In summary, the available evidence is currently insufficient to determine the role of this variant in disease. Therefore, it has been classified as a Variant of Uncertain Significance. Algorithms developed to predict the effect of missense changes on protein structure and function (SIFT, PolyPhen-2, Align-GVGD) all suggest that this variant is likely to be tolerated. This variant has not been reported in the literature in individuals affected with DGKZ-related conditions. This sequence change replaces arginine, which is basic and polar, with glutamine, which is neutral and polar, at codon 229 of the DGKZ protein (p.Arg229Gln).

NM_001199267.2(DGKZ):c.162-349G>A

Gene: DGKZ (diacylglycerol kinase zeta; plus strand). Cytogenetic location: 11p11.2.
Variant type: single nucleotide variant.
Coding change: c.162-349G>A on transcript NM_001199267.2 (MANE Select); 349 bases into the intron before coding-DNA position 162, G replaced by A.
Molecular consequence: intron variant. On other transcripts: missense variant (1).
Genome position (GRCh38, 1-based): chr11:46,366,942, G>A. VCF-style: chr11-46366942-G-A. GRCh37 (hg19) VCF-style: chr11-46388492-G-A.
Other names: c.686G>A, p.Arg229Gln (NM_001105540.2); c.213-349G>A (NM_201532.3); c.177-349G>A (NM_201533.3); c.162-349G>A (NM_001199266.2, NM_003646.4, NM_001199268.2); short protein forms R229Q.
Identifiers: ClinVar variation 2184199 (VCV002184199.4), dbSNP rs967779934, ClinGen allele CA221603978.